The following is an entry in ClinVar:

ClinVar aggregate classification (germline): Uncertain significance. Review status: criteria provided, multiple submitters, no conflicts (2 of 4 stars). 2 submissions from 2 submitters: Uncertain significance (2). Last evaluated 2024-06-09.

Conditions:
Drash syndrome (DDS). Also called: NEPHROPATHY, WILMS TUMOR, AND GENITAL ANOMALIES; WILMS TUMOR AND PSEUDO- OR TRUE HERMAPHRODITISM. Identifiers: Orphanet 220, MedGen C0950121, MONDO:0008682, OMIM 194080.
Wilms tumor 1 (WT1). Also called: Wilms tumor, somatic. Identifiers: Orphanet 654, MedGen CN033288, MONDO:0008679, OMIM 194070.
11p partial monosomy syndrome (WAGR). Also called: WAGR syndrome; WAGR Complex; CHROMOSOME 11p13 DELETION SYNDROME; WAGR Spectrum Disorder. Identifiers: Orphanet 893, MedGen C0206115, MONDO:0008681, OMIM 194072.
Frasier syndrome. Identifiers: Orphanet 347, MedGen C0950122, MeSH D052159, MONDO:0007635, OMIM 136680.

gnomAD v4.1: 5 of 1,531,534 alleles (0.00033%); highest among the groups gnomAD compares: Non-Finnish European, 0.00035%; no homozygotes.

Submissions (2):

All of Us Research Program, National Institutes of Health
Classification: Uncertain significance for Wilms tumor 1. Last evaluated: 2024-06-09. Review status: criteria provided, single submitter. Criteria: ACMG Guidelines, 2015. Collection method: clinical testing. Allele origin: germline. Inheritance: Autosomal dominant inheritance. Observed: 4 variant alleles, 4 heterozygotes.
Comment: This missense variant replaces alanine with threonine at codon 5 in the WT1 protein. Computational prediction suggests that this variant may not impact protein structure and function (internally defined REVEL score threshold <= 0.5, PMID: 27666373). To our knowledge, functional studies have not been reported for this variant. This variant has not been reported in individuals affected with WT1-related disorders in the literature. This variant has been identified in 1/129224 chromosomes in the general population by the Genome Aggregation Database (gnomAD). The available evidence is insufficient to determine the role of this variant in disease conclusively. Therefore, this variant is classified as a Variant of Uncertain Significance.

This study involves interpretation of variants in research participants for the purpose of population health screening. Participant phenotype was not available at the time of variant classification. Additional details can be found in publication PMID: 35346344, PMCID: PMC8962531

Labcorp Genetics (formerly Invitae), Labcorp
Classification: Uncertain significance for Wilms tumor 1; Drash syndrome; 11p partial monosomy syndrome; Frasier syndrome. Last evaluated: 2023-06-15. Review status: criteria provided, single submitter. Criteria: Invitae Variant Classification Sherloc (09022015). Collection method: clinical testing. Allele origin: germline.
Comment: This variant is present in population databases (no rsID available, gnomAD 0.002%). In summary, the available evidence is currently insufficient to determine the role of this variant in disease. Therefore, it has been classified as a Variant of Uncertain Significance. An algorithm developed to predict the effect of missense changes on protein structure and function (PolyPhen-2) suggests that this variant is likely to be tolerated. This variant has not been reported in the literature in individuals affected with WT1-related conditions. This sequence change replaces alanine, which is neutral and non-polar, with threonine, which is neutral and polar, at codon 5 of the WT1 protein (p.Ala5Thr).

NM_024426.6(WT1):c.28G>A (p.Ala10Thr)

Genes: WT1 (WT1 transcription factor; minus strand), LOC107982234 (WT1/WT1-AS bi-directional promoter region; plus strand). Cytogenetic location: 11p13.
Variant type: single nucleotide variant.
Coding change: c.28G>A on transcript NM_024426.6 (MANE Select); coding-DNA position 28, G replaced by A.
Protein change: p.Ala10Thr; replaces alanine 10 with threonine.
Molecular consequence: missense variant. On other transcripts: non-coding transcript variant (2).
Genome position (GRCh38, 1-based): chr11:32,435,333, C>T on the plus strand (G>A on the coding strand, the complement: WT1 is on the minus strand). VCF-style: chr11-32435333-C-T. GRCh37 (hg19) VCF-style: chr11-32456879-C-T.
Other names: c.28G>A, p.Ala10Thr (NM_000378.6, NM_001407044.1, NM_001407045.1 and 6 more transcripts); c.13G>A, p.Ala5Thr (NM_024425.2); short protein forms A10T, A5T.
Identifiers: ClinVar variation 2935406 (VCV002935406.5), dbSNP rs1351753257, ClinGen allele CA379966538.